The following is an entry in ClinVar:

NM_001126108.2(SLC12A3):c.1956C>A (p.Pro652=)

Gene: SLC12A3 (solute carrier family 12 member 3; plus strand). Cytogenetic location: 16q13.
Variant type: single nucleotide variant.
Coding change: c.1956C>A on transcript NM_001126108.2 (MANE Select); coding-DNA position 1956, C replaced by A.
Protein change: p.Pro652=; no amino-acid change (proline 652 retained).
Molecular consequence: synonymous variant.
Genome position (GRCh38, 1-based): chr16:56,886,394, C>A. VCF-style: chr16-56886394-C-A. GRCh37 (hg19) VCF-style: chr16-56920306-C-A.
Other names: c.1956C>A, p.Pro652= (NM_000339.3); c.1953C>A, p.Pro651= (NM_001126107.2).
Identifiers: ClinVar variation 64416 (VCV000064416.11), dbSNP rs200091201, ClinGen allele CA216094.

ClinVar aggregate classification (germline): Likely benign. Review status: criteria provided, single submitter (1 of 4 stars). 3 submissions from 3 submitters: Likely benign (1). 2 of the submissions do not count toward it. Last evaluated 2023-11-28.

Conditions:
Familial hypokalemia-hypomagnesemia (GTLMNS). Also called: POTASSIUM AND MAGNESIUM DEPLETION; gitelman syndrome; HYPOMAGNESEMIA-HYPOKALEMIA, PRIMARY RENOTUBULAR, WITH HYPOCALCIURIA. Identifiers: Orphanet 358, MedGen C0268450, MONDO:0009904, OMIM 263800.

Allele frequency attached by ClinVar (database versions not stated): gnomAD 0.00004; ExAC 0.00002; TOPMed 0.00004.
gnomAD v4.1: 173 of 1,614,018 alleles (0.011%); highest among the groups gnomAD compares: Non-Finnish European, 0.014%; no homozygotes.

Submissions (3):

Labcorp Genetics (formerly Invitae), Labcorp
Classification: Likely benign. Last evaluated: 2023-11-28. Review status: criteria provided, single submitter. Criteria: Invitae Variant Classification Sherloc (09022015). Collection method: clinical testing. Allele origin: germline.

Natera, Inc.
Classification: Likely benign for Gitelman syndrome. Last evaluated: 2020-09-16. Review status: no assertion criteria provided. Collection method: clinical testing. Allele origin: germline. Not counted in ClinVar's aggregate classification.

Martin Pollak Laboratory,  Beth Israel Deaconess Medical Center
Classification: Uncertain significance. Review status: no assertion criteria provided. Collection method: not provided. Allele origin: unknown. Not counted in ClinVar's aggregate classification.
Comment: Lower and higher UCa2+ groups
ClinVar note: Converted during submission from unknown to Uncertain significance.